The following is an entry in ClinVar:

ClinVar aggregate classification (germline): Uncertain significance (1 of 4 stars; one submission).

gnomAD v4.1: 3 of 1,539,444 alleles (0.00019%); highest among the groups gnomAD compares: Admixed American, 0.002%; no homozygotes.

Submission:

Labcorp Genetics (formerly Invitae), Labcorp
Classification: Uncertain significance. Last evaluated: 2025-09-17. Review status: criteria provided, single submitter. Criteria: Invitae Variant Classification Sherloc (09022015). Collection method: clinical testing. Allele origin: germline.
Comment: This sequence change replaces valine, which is neutral and non-polar, with isoleucine, which is neutral and non-polar, at codon 18 of the ROR2 protein (p.Val18Ile). The frequency data for this variant in the population databases is considered unreliable, as metrics indicate poor data quality at this position in the gnomAD database. This variant has not been reported in the literature in individuals affected with ROR2-related conditions. Invitae Evidence Modeling of protein sequence and biophysical properties (such as structural, functional, and spatial information, amino acid conservation, physicochemical variation, residue mobility, and thermodynamic stability) indicates that this missense variant is not expected to disrupt ROR2 protein function with a negative predictive value of 95%. In summary, the available evidence is currently insufficient to determine the role of this variant in disease. Therefore, it has been classified as a Variant of Uncertain Significance.

NM_004560.4(ROR2):c.52G>A (p.Val18Ile)

Gene: ROR2 (receptor tyrosine kinase like orphan receptor 2; minus strand). Cytogenetic location: 9q22.31.
Variant type: single nucleotide variant.
Coding change: c.52G>A on transcript NM_004560.4 (MANE Select); coding-DNA position 52, G replaced by A.
Protein change: p.Val18Ile; replaces valine 18 with isoleucine.
Molecular consequence: missense variant.
Genome position (GRCh38, 1-based): chr9:91,949,912, C>T on the plus strand (G>A on the coding strand, the complement: ROR2 is on the minus strand). VCF-style: chr9-91949912-C-T. GRCh37 (hg19) VCF-style: chr9-94712194-C-T.
Other names: c.52G>A, p.Val18Ile (NM_001318204.2); short protein forms V18I.
Identifiers: ClinVar variation 4801787 (VCV004801787.1).
Genomic context (GRCh38, chr9:91,949,912, plus strand): 5'-AACGCCAGATCCTACCTGAAGTCCGGGACACTGAGAGCAGAAGCGCGGCGGCCGCCCAGA[C>T]GGCCGGGATGCACAGCAGCGGCCGCCGCGGGAGCGCCGAGCCCCGGGCCATGCCGCAGGC-3'
Protein context (NP_004551.2, residues 8-28): PRRPLLCIPA[Val18Ile]WAAAALLLSV